The following is an entry in ClinVar:

NM_001308093.3(GATA4):c.404G>A (p.Gly135Asp)

Gene: GATA4 (GATA binding protein 4). Cytogenetic location: 8p23.1.
Variant type: single nucleotide variant.
Coding change: c.404G>A on transcript NM_001308093.3 (MANE Select); coding-DNA position 404, G replaced by A.
Protein change: p.Gly135Asp; replaces glycine 135 with aspartic acid.
Molecular consequence: missense variant. On other transcripts: intron variant (3).
Genome position (GRCh38, 1-based): chr8:11,708,716, G>A. VCF-style: chr8-11708716-G-A. GRCh37 (hg19) VCF-style: chr8-11566225-G-A.
Other names: c.404G>A, p.Gly135Asp (NM_002052.5); c.-6+7938G>A (NM_001308094.2); c.-3+702G>A (NM_001374274.1); c.-3+4412G>A (NM_001374273.1); short protein forms G135D.
Identifiers: ClinVar variation 577907 (VCV000577907.8), dbSNP rs1386927055, ClinGen allele CA370309552.
Genomic context (GRCh38, chr8:11,708,716, plus strand): 5'-GGTCCCTGGCGGCCGCCGCCGCCGCTGCCGCGGCCCGGGAAGCTGCGGCCTACAGCAGTG[G>A]CGGCGGAGCGGCGGGTGCGGGCCTGGCGGGCCGCGAGCAGTACGGGCGCGCCGGCTTCGC-3'
Protein context (NP_001295022.1, residues 125-145): AAREAAAYSS[Gly135Asp]GGAAGAGLAG

ClinVar aggregate classification (germline): Uncertain significance (1 of 4 stars; one submission).

Conditions:
Atrioventricular septal defect 4 (AVSD4). Identifiers: MedGen C3280781, MONDO:0013747, OMIM 614430.

Allele frequency attached by ClinVar (database versions not stated): gnomAD 0.00001; TOPMed 0.00001.

Submission:

Labcorp Genetics (formerly Invitae), Labcorp
Classification: Uncertain significance for Atrioventricular septal defect 4. Last evaluated: 2024-08-12. Review status: criteria provided, single submitter. Criteria: Invitae Variant Classification Sherloc (09022015). Collection method: clinical testing. Allele origin: germline.
Comment: This sequence change replaces glycine, which is neutral and non-polar, with aspartic acid, which is acidic and polar, at codon 135 of the GATA4 protein (p.Gly135Asp). This variant is not present in population databases (gnomAD no frequency). This variant has not been reported in the literature in individuals affected with GATA4-related conditions. ClinVar contains an entry for this variant (Variation ID: 577907). Advanced modeling of protein sequence and biophysical properties (such as structural, functional, and spatial information, amino acid conservation, physicochemical variation, residue mobility, and thermodynamic stability) performed at Invitae indicates that this missense variant is not expected to disrupt GATA4 protein function with a negative predictive value of 80%. In summary, the available evidence is currently insufficient to determine the role of this variant in disease. Therefore, it has been classified as a Variant of Uncertain Significance.